The following is an entry in ClinVar:

ClinVar aggregate classification (germline): Conflicting classifications of pathogenicity. Review status: criteria provided, conflicting classifications (1 of 4 stars). 4 submissions from 4 submitters: Uncertain significance (1); Benign (1); Likely benign (2). Last evaluated 2025-11-12.

Conditions:
Charlevoix-Saguenay spastic ataxia (SACS). Also called: SPASTIC ATAXIA 6, AUTOSOMAL RECESSIVE; AUTOSOMAL RECESSIVE SPASTIC ATAXIA OF CHARLEVOIX-SAGUENAY; Spastic ataxia of Charlevoix-Saguenay. Identifiers: Orphanet 98, MedGen C1849140, MONDO:0010041, OMIM 270550.
Spastic paraplegia. Identifiers: MedGen C0037772, HP:0001258.

Allele frequency attached by ClinVar (database versions not stated): gnomAD exomes 0.00004 and 0.00008; ESP Exome Variant Server 0.00008; ExAC 0.00012; 1000 Genomes Project 30x 0.00016; 1000 Genomes Project 0.00020; gnomAD 0.00027 and 0.00030; TOPMed 0.00031.
gnomAD v4.1: 101 of 1,604,488 alleles (0.0063%); highest among the groups gnomAD compares: African/African-American, 0.11%; 1 homozygote.

Submissions (4):

Labcorp Genetics (formerly Invitae), Labcorp
Classification: Likely benign for Spastic paraplegia. Last evaluated: 2025-11-12. Review status: criteria provided, single submitter. Criteria: Invitae Variant Classification Sherloc (09022015). Collection method: clinical testing. Allele origin: germline.

Athena Diagnostics
Classification: Benign. Last evaluated: 2025-03-26. Review status: criteria provided, single submitter. Criteria: Athena Diagnostics Criteria. Collection method: clinical testing. Allele origin: unknown.
Comment: The frequency of this variant in the general population is higher than would generally be expected for pathogenic variants in this gene. Computational tools yielded predictions that this variant is unlikely to have an effect on normal RNA splicing. This nucleotide position exhibits low evolutionary conservation.

Genome-Nilou Lab
Classification: Likely benign for Charlevoix-Saguenay spastic ataxia. Last evaluated: 2021-09-05. Review status: criteria provided, single submitter. Criteria: ACMG Guidelines, 2015. Collection method: clinical testing. Allele origin: germline. Affected: no.

Illumina Laboratory Services, Illumina
Classification: Uncertain significance for Charlevoix-Saguenay spastic ataxia. Last evaluated: 2018-01-12. Review status: criteria provided, single submitter. Criteria: ICSL Variant Classification Criteria 13 December 2019. Collection method: clinical testing. Allele origin: germline.

NM_014363.6(SACS):c.3042A>G (p.Leu1014=)

Gene: SACS (sacsin molecular chaperone; minus strand). Cytogenetic location: 13q12.12.
Variant type: single nucleotide variant.
Coding change: c.3042A>G on transcript NM_014363.6 (MANE Select); coding-DNA position 3042, A replaced by G.
Protein change: p.Leu1014=; no amino-acid change (leucine 1014 retained).
Molecular consequence: synonymous variant.
Genome position (GRCh38, 1-based): chr13:23,340,834, T>C on the plus strand (A>G on the coding strand, the complement: SACS is on the minus strand). VCF-style: chr13-23340834-T-C. GRCh37 (hg19) VCF-style: chr13-23914973-T-C.
Other names: c.2601A>G, p.Leu867= (NM_001278055.2).
Identifiers: ClinVar variation 311552 (VCV000311552.18), dbSNP rs141982796, ClinGen allele CA6911574.
Genomic context (GRCh38, chr13:23,340,834, plus strand): 5'-TAACCACTCAAGCACATTTGGATTCTCATTTTTAAGAGAAGATAGATTCTCAAGGACCCA[T>C]AACATAAGCTGTGTTACCTCTTCATGTGAATAAAATGCATTTTCAATATCTTTTAAAACA-3'
Protein context (NP_055178.3, residues 1004-1024): YSHEEVTQLM[Leu1014=]WVLENLSSLK